The following is an entry in ClinVar:

ClinVar aggregate classification (germline): Uncertain significance (1 of 4 stars; one submission).

Conditions:
Inborn genetic diseases. Identifiers: MedGen C0950123, MeSH D030342.

gnomAD v4.1: 17 of 1,613,860 alleles (0.0011%); highest among the groups gnomAD compares: Non-Finnish European, 0.0014%; no homozygotes.

Submission:

Ambry Genetics
Classification: Uncertain significance for Inborn genetic diseases. Last evaluated: 2025-07-06. Review status: criteria provided, single submitter. Criteria: Ambry Variant Classification Scheme 2023. Collection method: clinical testing. Allele origin: germline.
Comment: The p.R985H variant (also known as c.2954G>A), located in coding exon 13 of the BMPR2 gene, results from a G to A substitution at nucleotide position 2954. The arginine at codon 985 is replaced by histidine, an amino acid with highly similar properties. This amino acid position is conserved. In addition, this alteration is predicted to be deleterious by in silico analysis. Based on the available evidence, the clinical significance of this variant remains unclear.

NM_001204.7(BMPR2):c.2954G>A (p.Arg985His)

Gene: BMPR2 (bone morphogenetic protein receptor type 2; plus strand). Cytogenetic location: 2q33.2.
Variant type: single nucleotide variant.
Coding change: c.2954G>A on transcript NM_001204.7 (MANE Select); coding-DNA position 2954, G replaced by A.
Protein change: p.Arg985His; replaces arginine 985 with histidine.
Molecular consequence: missense variant.
Genome position (GRCh38, 1-based): chr2:202,559,783, G>A. VCF-style: chr2-202559783-G-A. GRCh37 (hg19) VCF-style: chr2-203424506-G-A.
Other names: short protein forms R985H.
Identifiers: ClinVar variation 4214430 (VCV004214430.1).
Genomic context (GRCh38, chr2:202,559,783, plus strand): 5'-CAGGATCAGGTGAAAAGATCAAGAAACGTGTGAAAACTCCCTATTCTCTTAAGCGGTGGC[G>A]CCCCTCCACCTGGGTCATCTCCACTGAATCGCTGGACTGTGAAGTCAACAATAATGGCAG-3'
Protein context (NP_001195.2, residues 975-995): VKTPYSLKRW[Arg985His]PSTWVISTES